The following is an entry in ClinVar:

ClinVar aggregate classification (germline): Uncertain significance (1 of 4 stars; one submission).

gnomAD v4.1: 5 of 1,599,982 alleles (0.00031%); highest among the groups gnomAD compares: Non-Finnish European, 0.00043%; no homozygotes.

Submission:

GeneDx
Classification: Uncertain significance. Last evaluated: 2024-11-11. Review status: criteria provided, single submitter. Criteria: GeneDx Variant Classification Process June 2021. Collection method: clinical testing. Allele origin: germline. Affected: yes.
Comment: In silico analysis supports that this missense variant has a deleterious effect on protein structure/function; Has not been previously published as pathogenic or benign to our knowledge

NM_003482.4(KMT2D):c.10178C>T (p.Pro3393Leu)

Gene: KMT2D (lysine methyltransferase 2D; minus strand). Cytogenetic location: 12q13.12.
Variant type: single nucleotide variant.
Coding change: c.10178C>T on transcript NM_003482.4 (MANE Select); coding-DNA position 10178, C replaced by T.
Protein change: p.Pro3393Leu; replaces proline 3393 with leucine.
Molecular consequence: missense variant.
Genome position (GRCh38, 1-based): chr12:49,037,178, G>A on the plus strand (C>T on the coding strand, the complement: KMT2D is on the minus strand). VCF-style: chr12-49037178-G-A. GRCh37 (hg19) VCF-style: chr12-49430961-G-A.
Other names: short protein forms P3393L.
Identifiers: ClinVar variation 3898811 (VCV003898811.1).